The following is an entry in ClinVar:

ClinVar aggregate classification (germline): Benign/Likely benign. Review status: criteria provided, multiple submitters, no conflicts (2 of 4 stars). 11 submissions from 11 submitters: Benign (5); Likely benign (4). 2 of the submissions do not count toward it. Last evaluated 2026-09-01.

Conditions:
Joubert syndrome 3 (JBTS3). Also called: AHI1-related Ciliopathy. Identifiers: Orphanet 220493, MedGen C1837713, MONDO:0012078, OMIM 608629.
Joubert syndrome. Also called: JOUBERT-BOLTSHAUSER SYNDROME; Familial aplasia of the vermis. Identifiers: Orphanet 475, MedGen C5979921, MONDO:0018772.

Allele frequency attached by ClinVar (database versions not stated): 1000 Genomes Project 0.00160; 1000 Genomes Project 30x 0.00203; gnomAD 0.00381 and 0.00383; gnomAD exomes 0.00385 and 0.00484; TOPMed 0.00420; ESP Exome Variant Server 0.00440; ExAC 0.00501.
gnomAD v4.1: 7,552 of 1,602,692 alleles (0.47%); highest among the groups gnomAD compares: Middle Eastern, 1%; 27 homozygotes.

Submissions (11):

CeGaT Center for Human Genetics Tuebingen
Classification: Likely benign. Last evaluated: 2026-09-01. Review status: criteria provided, single submitter. Criteria: CeGaT Center For Human Genetics Tuebingen Variant Classification Criteria Version 2. Collection method: clinical testing. Allele origin: germline. Affected: yes. Observed: 28 variant alleles.
Comment: AHI1: BP4, BP7, BS2

Labcorp Genetics (formerly Invitae), Labcorp
Classification: Benign for Joubert syndrome. Last evaluated: 2026-02-04. Review status: criteria provided, single submitter. Criteria: Invitae Variant Classification Sherloc (09022015). Collection method: clinical testing. Allele origin: germline.

Mayo Clinic Laboratories, Mayo Clinic
Classification: Benign. Last evaluated: 2025-01-20. Review status: criteria provided, single submitter. Criteria: ACMG Guidelines, 2015. Collection method: clinical testing. Allele origin: germline. Observed: 3 variant alleles.
Comment: BS1, BS2, BP4, BP7

Blueprint Genetics
Classification: Likely benign. Last evaluated: 2024-11-15. Review status: criteria provided, single submitter. Criteria: ACMG Guidelines, 2015. Collection method: clinical testing. Allele origin: germline.

GeneDx
Classification: Benign. Last evaluated: 2019-01-18. Review status: criteria provided, single submitter. Criteria: GeneDx Variant Classification Process June 2021. Collection method: clinical testing. Allele origin: germline. Affected: yes.
Comment: This variant is associated with the following publications: (PMID: 18782849, 16453322)

Illumina Laboratory Services, Illumina
Classification: Likely benign for Joubert syndrome 3. Last evaluated: 2018-01-12. Review status: criteria provided, single submitter. Criteria: ICSL Variant Classification Criteria 13 December 2019. Collection method: clinical testing. Allele origin: germline.
Comment: This variant was observed in the ICSL laboratory as part of a predisposition screen in an ostensibly healthy population. It had not been previously curated by ICSL or reported in the Human Gene Mutation Database (HGMD: prior to June 1st, 2018), and was therefore a candidate for classification through an automated scoring system. Utilizing variant allele frequency, disease prevalence and penetrance estimates, and inheritance mode, an automated score was calculated to assess if this variant is too frequent to cause the disease. Based on the score and internal cut-off values, a variant classified as likely benign is not then subjected to further curation. The score for this variant resulted in a classification of likely benign for this disease.

Eurofins Ntd Llc (ga)
Classification: Benign. Last evaluated: 2015-03-05. Review status: criteria provided, single submitter. Criteria: EGL Classification Definitions 2015. Collection method: clinical testing. Allele origin: germline.

Breakthrough Genomics
Classification: Likely benign. Review status: criteria provided, single submitter. Criteria: ACMG Guidelines, 2015. Collection method: not provided. Allele origin: germline. Inheritance: Autosomal recessive inheritance. Affected: yes.

PreventionGenetics, part of Exact Sciences
Classification: Benign. Review status: criteria provided, single submitter. Criteria: ACMG Guidelines, 2015. Collection method: clinical testing. Allele origin: germline.

Clinical Genetics DNA and cytogenetics Diagnostics Lab, Erasmus MC, Erasmus Medical Center
Classification: Likely benign. Review status: no assertion criteria provided. Collection method: clinical testing. Allele origin: germline. Affected: yes. Study: VKGL Data-share Consensus. Not counted in ClinVar's aggregate classification.

Clinical Genetics, Academic Medical Center
Classification: Benign. Review status: no assertion criteria provided. Collection method: clinical testing. Allele origin: germline. Affected: yes. Study: VKGL Data-share Consensus. Not counted in ClinVar's aggregate classification.

NM_001134831.2(AHI1):c.2505G>A (p.Arg835=)

Gene: AHI1 (Abelson helper integration site 1; minus strand). Cytogenetic location: 6q23.3.
Variant type: single nucleotide variant.
Coding change: c.2505G>A on transcript NM_001134831.2 (MANE Select); coding-DNA position 2505, G replaced by A.
Protein change: p.Arg835=; no amino-acid change (arginine 835 retained).
Molecular consequence: synonymous variant.
Genome position (GRCh38, 1-based): chr6:135,428,747, C>T on the plus strand (G>A on the coding strand, the complement: AHI1 is on the minus strand). VCF-style: chr6-135428747-C-T. GRCh37 (hg19) VCF-style: chr6-135749885-C-T.
Other names: p.Arg835=; c.2505G>A, p.Arg835= (NM_001134830.2, NM_001134832.2, NM_001350503.2 and 2 more transcripts).
Identifiers: ClinVar variation 194870 (VCV000194870.65), dbSNP rs41288017, ClinGen allele CA201403.